The following is an entry in ClinVar:

ClinVar aggregate classification (germline): Pathogenic. Review status: criteria provided, single submitter (1 of 4 stars). 2 submissions from 2 submitters: Pathogenic (1). 1 of the submissions does not count toward it. Last evaluated 2022-10-17.

Conditions:
Mitochondrial trifunctional protein deficiency. Identifiers: Orphanet 746, MedGen C1969443, MONDO:0012172.
Long chain 3-hydroxyacyl-CoA dehydrogenase deficiency. Also called: LCHAD Deficiency; Deficiency of long-chain 3-hydroxyacyl-coenzyme A dehydrogenase. Identifiers: Orphanet 5, MedGen C3711645, MONDO:0012173, OMIM 609016.

Submissions (2):

Labcorp Genetics (formerly Invitae), Labcorp
Classification: Pathogenic for Mitochondrial trifunctional protein deficiency; Long chain 3-hydroxyacyl-CoA dehydrogenase deficiency. Last evaluated: 2022-10-17. Review status: criteria provided, single submitter. Criteria: Invitae Variant Classification Sherloc (09022015). Collection method: clinical testing. Allele origin: germline.
Comment: This sequence change creates a premature translational stop signal (p.Tyr639Argfs*4) in the HADHA gene. It is expected to result in an absent or disrupted protein product. Loss-of-function variants in HADHA are known to be pathogenic (PMID: 7738175, 21103935, 21549624, 22459206). This variant is not present in population databases (gnomAD no frequency). This premature translational stop signal has been observed in individual(s) with clinical features of long-chain 3-hydroxyacyl-CoA dehydrogenase deficiency (PMID: 30626930). ClinVar contains an entry for this variant (Variation ID: 371597). For these reasons, this variant has been classified as Pathogenic.

Counsyl
Classification: Likely pathogenic for Long chain 3-hydroxyacyl-CoA dehydrogenase deficiency. Last evaluated: 2016-10-26. Review status: no assertion criteria provided. Collection method: clinical testing. Allele origin: unknown. Not counted in ClinVar's aggregate classification.

Literature cited by the submitters: PubMed 7738175 (cited by Labcorp Genetics (formerly Invitae), Labcorp); PubMed 21103935 (cited by Labcorp Genetics (formerly Invitae), Labcorp); PubMed 21549624 (cited by Labcorp Genetics (formerly Invitae), Labcorp); PubMed 22459206 (cited by Labcorp Genetics (formerly Invitae), Labcorp); PubMed 30626930 (cited by Labcorp Genetics (formerly Invitae), Labcorp).

NM_000182.5(HADHA):c.1915_1918del (p.Tyr639fs)

Genes: GAREM2 (GRB2 associated regulator of MAPK1 subtype 2; plus strand), HADHA (hydroxyacyl-CoA dehydrogenase trifunctional multienzyme complex subunit alpha; minus strand). Cytogenetic location: 2p23.3.
Variant type: Deletion.
Coding change: c.1915_1918del on transcript NM_000182.5 (MANE Select); coding-DNA positions 1915 to 1918, 4 bases deleted (TATC; older notation c.1915_1918delTATC).
Protein change: p.Tyr639fs; shifts the reading frame from tyrosine 639.
Molecular consequence: frameshift variant.
Genome position (GRCh38, 1-based): chr2:26,192,392-26,192,395, GATA deleted on the plus strand (TATC on the coding strand, the reverse complement: HADHA is on the minus strand); deleting any 4 consecutive bases within chr2:26,192,392-26,192,398 gives the same sequence; the c. name uses the placement nearest the transcript's 3' end. VCF-style (leftmost placement, unchanged base first): chr2-26192391-TGATA-T. GRCh37 (hg19) VCF-style: chr2-26415260-TGATA-T.
Other names: c.1915_1918del (NM_000182.4); short protein forms Y639fs.
Identifiers: ClinVar variation 371597 (VCV000371597.13), dbSNP rs1057517397, ClinGen allele CA16040871.